The following is an entry in ClinVar:

NM_001371596.2(MFSD8):c.958G>C (p.Ala320Pro)

Gene: MFSD8 (major facilitator superfamily domain containing 8; minus strand). Cytogenetic location: 4q28.2.
Variant type: single nucleotide variant.
Coding change: c.958G>C on transcript NM_001371596.2 (MANE Select); coding-DNA position 958, G replaced by C.
Protein change: p.Ala320Pro; replaces alanine 320 with proline.
Molecular consequence: missense variant.
Genome position (GRCh38, 1-based): chr4:127,930,723, C>G on the plus strand (G>C on the coding strand, the complement: MFSD8 is on the minus strand). VCF-style: chr4-127930723-C-G. GRCh37 (hg19) VCF-style: chr4-128851878-C-G.
Other names: c.757G>C, p.Ala253Pro (NM_001363520.3); c.643G>C, p.Ala215Pro (NM_001363521.3); c.823G>C, p.Ala275Pro (NM_001371590.2); c.958G>C, p.Ala320Pro (NM_001371591.2, NM_152778.4); c.964G>C, p.Ala322Pro (NM_001371592.2); c.844G>C, p.Ala282Pro (NM_001371593.2, NM_001410766.1); c.811G>C, p.Ala271Pro (NM_001371594.2); c.676G>C, p.Ala226Pro (NM_001371595.1); and 1 more; short protein forms A253P, A271P, A322P, A215P, A275P, A226P, A282P, A320P.
Identifiers: ClinVar variation 861166 (VCV000861166.7), dbSNP rs1737976227, ClinGen allele CA358173642.

ClinVar aggregate classification (germline): Uncertain significance (1 of 4 stars; one submission).

Conditions:
Neuronal ceroid lipofuscinosis 7 (CLN7). Also called: MFSD8-Related Neuronal Ceroid-Lipofuscinosis. Identifiers: Orphanet 168491, Orphanet 228366, MedGen C1838571, MONDO:0012588, OMIM 610951.

Submission:

Labcorp Genetics (formerly Invitae), Labcorp
Classification: Uncertain significance for Neuronal ceroid lipofuscinosis 7. Last evaluated: 2021-10-27. Review status: criteria provided, single submitter. Criteria: Invitae Variant Classification Sherloc (09022015). Collection method: clinical testing. Allele origin: germline.
Comment: Algorithms developed to predict the effect of missense changes on protein structure and function are either unavailable or do not agree on the potential impact of this missense change (SIFT: "Deleterious"; PolyPhen-2: "Probably Damaging"; Align-GVGD: "Class C0"). In summary, the available evidence is currently insufficient to determine the role of this variant in disease. Therefore, it has been classified as a Variant of Uncertain Significance. ClinVar contains an entry for this variant (Variation ID: 861166). This sequence change replaces alanine, a(n) neutral and non-polar amino acid, with proline, a(n) neutral and non-polar amino acid, at codon 320 of the MFSD8 protein (p.Ala320Pro). This variant is not present in population databases (gnomAD no frequency). This variant has not been reported in the literature in individuals affected with MFSD8-related conditions.